The following is an entry in ClinVar:

ClinVar aggregate classification (germline): Uncertain significance (1 of 4 stars; one submission).

Submission:

GeneDx
Classification: Uncertain significance. Last evaluated: 2025-03-12. Review status: criteria provided, single submitter. Criteria: GeneDx Variant Classification Process June 2021. Collection method: clinical testing. Allele origin: germline. Affected: yes.
Comment: Not observed at significant frequency in large population cohorts (gnomAD); In silico analysis indicates that this missense variant does not alter protein structure/function; Has not been previously published as pathogenic or benign to our knowledge

NM_018006.5(TRMU):c.1220C>G (p.Pro407Arg)

Gene: TRMU (tRNA mitochondrial 2-thiouridylase; plus strand). Cytogenetic location: 22q13.31.
Variant type: single nucleotide variant.
Coding change: c.1220C>G on transcript NM_018006.5 (MANE Select); coding-DNA position 1220, C replaced by G.
Protein change: p.Pro407Arg; replaces proline 407 with arginine.
Molecular consequence: missense variant. On other transcripts: 3 prime UTR variant (2), non-coding transcript variant (2).
Genome position (GRCh38, 1-based): chr22:46,356,960, C>G. VCF-style: chr22-46356960-C-G. GRCh37 (hg19) VCF-style: chr22-46752857-C-G.
Other names: c.878C>G, p.Pro293Arg (NM_001282782.2); c.800C>G, p.Pro267Arg (NM_001282783.2); c.*6C>G (NM_001282784.2, NM_001282785.2); short protein forms P267R, P293R, P407R.
Identifiers: ClinVar variation 4083206 (VCV004083206.1).